The following is an entry in ClinVar:

ClinVar aggregate classification (germline): Pathogenic (1 of 4 stars; one submission).

Conditions:
Multiple congenital exostosis (EXT). Also called: MULTIPLE CARTILAGINOUS EXOSTOSES; Hereditary multiple exostoses; Hereditary multiple exostosis; Multiple exostoses; Multiple osteochondromas; Hereditary multiple osteochondromas. Identifiers: Orphanet 321, MedGen C0015306, MONDO:0005508, HP:0002762.

Submission:

Labcorp Genetics (formerly Invitae), Labcorp
Classification: Pathogenic for Multiple congenital exostosis. Last evaluated: 2021-03-26. Review status: criteria provided, single submitter. Criteria: Invitae Variant Classification Sherloc (09022015). Collection method: clinical testing. Allele origin: germline.
Comment: For these reasons, this variant has been classified as Pathogenic. This variant has not been reported in the literature in individuals with EXT1-related conditions. This variant is not present in population databases (ExAC no frequency). This sequence change creates a premature translational stop signal (p.Leu351Phefs*20) in the EXT1 gene. It is expected to result in an absent or disrupted protein product. Loss-of-function variants in EXT1 are known to be pathogenic (PMID: 10679937, 11391482, 19810120).

Literature cited by the submitters: PubMed 10679937; PubMed 11391482; PubMed 19810120.

NM_000127.3(EXT1):c.1052dup (p.Leu351fs)

Gene: EXT1 (exostosin glycosyltransferase 1; minus strand). Cytogenetic location: 8q24.11.
Variant type: Duplication.
Coding change: c.1052dup on transcript NM_000127.3 (MANE Select); coding-DNA position 1052, one base duplicated (T; older notation c.1052dupT).
Protein change: p.Leu351fs; shifts the reading frame from leucine 351.
Molecular consequence: frameshift variant.
Genome position (GRCh38, 1-based): chr8:117,837,112, A duplicated on the plus strand (T on the coding strand, the reverse complement: EXT1 is on the minus strand); the first of 3 consecutive A bases (chr8:117,837,112-117,837,114); duplicating any one gives the same sequence. VCF-style (leftmost placement, unchanged base first): chr8-117837111-C-CA. GRCh37 (hg19) VCF-style: chr8-118849350-C-CA.
Other names: short protein forms L351fs.
Identifiers: ClinVar variation 1452424 (VCV001452424.6), dbSNP rs2129790994, ClinGen allele CA2573142798.